The following is an entry in ClinVar:

NM_001353788.2(APBA2):c.2037+697A>G

Gene: APBA2 (amyloid beta precursor protein binding family A member 2; plus strand). Cytogenetic location: 15q13.1.
Variant type: single nucleotide variant.
Coding change: c.2037+697A>G on transcript NM_001353788.2 (MANE Select); 697 bases into the intron after coding-DNA position 2037, A replaced by G.
Molecular consequence: intron variant. On other transcripts: missense variant (1).
Genome position (GRCh38, 1-based): chr15:29,109,086, A>G. VCF-style: chr15-29109086-A-G. GRCh37 (hg19) VCF-style: chr15-29401289-A-G.
Other names: c.2092A>G, p.Asn698Asp (NM_001353795.2); c.2037+697A>G (NM_001379685.1, NM_001353790.2, NM_001353789.2 and 2 more transcripts); c.2001+697A>G (NM_001353792.2, NM_001130414.1, NM_001353793.2 and 1 more transcripts); c.1149+697A>G (NM_001353796.2); c.1113+697A>G (NM_001353797.2); short protein forms N698D.
Identifiers: ClinVar variation 4990029 (VCV004990029.1).
Genomic context (GRCh38, chr15:29,109,086, plus strand): 5'-CAAAAGACCCAGAGGGCAGAGATGTGGCCACTAAGTGGAGTAAAGAAGAAAAGGGCTGGC[A>G]ATACCCAAATTGTTTAAACCAGCCCTGAGTATGAAGGAGCCCAGGAGGAGAGACACTGCG-3'

ClinVar aggregate classification (germline): Uncertain significance (1 of 4 stars; one submission).

Conditions:
APBA2-related disorder. Also called: APBA2-related condition.

gnomAD v4.1: 2 of 152,252 alleles (0.0013%); highest among the groups gnomAD compares: Non-Finnish European, 0.0029%; no homozygotes.

Submission:

PreventionGenetics, part of Exact Sciences
Classification: Uncertain significance for APBA2-related condition. Last evaluated: 2024-11-27. Review status: criteria provided, single submitter. Criteria: ACMG Guidelines, 2015. Collection method: clinical testing. Allele origin: germline.
Comment: The APBA2 c.2092A>G variant is predicted to result in the amino acid substitution p.Asn698Asp. To our knowledge, this variant has not been reported in the literature or in a large population database (gnomAD), indicating this variant is rare. At this time, the clinical significance of this variant is uncertain due to the absence of conclusive functional and genetic evidence.